The following is an entry in ClinVar:

NM_000207.3(INS):c.227G>A (p.Ser76Asn)

Genes: INS (insulin; minus strand), INS-IGF2 (INS-IGF2 readthrough; minus strand). Cytogenetic location: 11p15.5.
Variant type: single nucleotide variant.
Coding change: c.227G>A on transcript NM_000207.3 (MANE Select); coding-DNA position 227, G replaced by A.
Protein change: p.Ser76Asn; replaces serine 76 with asparagine.
Molecular consequence: missense variant. On other transcripts: intron variant (1).
Genome position (GRCh38, 1-based): chr11:2,159,958, C>T on the plus strand (G>A on the coding strand, the complement: INS is on the minus strand). VCF-style: chr11-2159958-C-T. GRCh37 (hg19) VCF-style: chr11-2181188-C-T.
Other names: c.227G>A, p.Ser76Asn (NM_001185097.2, NM_001185098.2, NM_001291897.2); c.187+827G>A (NM_001042376.3); short protein forms S76N.
Identifiers: ClinVar variation 1049511 (VCV001049511.11), dbSNP rs139264769, ClinGen allele CA5818132.

ClinVar aggregate classification (germline): Conflicting classifications of pathogenicity. Review status: criteria provided, conflicting classifications (1 of 4 stars). 5 submissions from 5 submitters: Uncertain significance (3); Likely benign (1). 1 of the submissions does not count toward it. Last evaluated 2025-10-27.

Conditions:
Maturity-onset diabetes of the young type 10. Identifiers: Orphanet 552, MedGen C3150617, MONDO:0013240, OMIM 613370.
Hyperproinsulinemia. Identifiers: MedGen C0342283, MONDO:0014535, OMIM 616214.
Type 1 diabetes mellitus 2. Identifiers: MedGen C1852092, MONDO:0007454, OMIM 125852.

Allele frequency attached by ClinVar (database versions not stated): ExAC 0.00018; gnomAD exomes 0.00005 and 0.00011; gnomAD 0.00050 and 0.00049; TOPMed 0.00067; ESP Exome Variant Server 0.00077; 1000 Genomes Project 30x 0.00078; 1000 Genomes Project 0.00080.
gnomAD v4.1: 152 of 1,593,092 alleles (0.0095%); highest among the groups gnomAD compares: African/African-American, 0.17%; 1 homozygote.

Submissions (5):

GeneDx
Classification: Uncertain significance. Last evaluated: 2025-10-27. Review status: criteria provided, single submitter. Criteria: GeneDx Variant Classification Process June 2021. Collection method: clinical testing. Allele origin: germline.
Comment: In silico analysis suggests that this missense variant does not alter protein structure/function; Has not been previously published as pathogenic or benign to our knowledge; This variant is associated with the following publications: (PMID: 36830626)

Labcorp Genetics (formerly Invitae), Labcorp
Classification: Uncertain significance. Last evaluated: 2025-05-04. Review status: criteria provided, single submitter. Criteria: Invitae Variant Classification Sherloc (09022015). Collection method: clinical testing. Allele origin: germline.
Comment: This sequence change replaces serine, which is neutral and polar, with asparagine, which is neutral and polar, at codon 76 of the INS protein (p.Ser76Asn). This variant is present in population databases (rs139264769, gnomAD 0.1%). This variant has not been reported in the literature in individuals affected with INS-related conditions. ClinVar contains an entry for this variant (Variation ID: 1049511). An algorithm developed to predict the effect of missense changes on protein structure and function (PolyPhen-2) suggests that this variant is likely to be tolerated. In summary, the available evidence is currently insufficient to determine the role of this variant in disease. Therefore, it has been classified as a Variant of Uncertain Significance.

Women's Health and Genetics/Laboratory Corporation of America, LabCorp
Classification: Likely benign. Last evaluated: 2023-09-08. Review status: criteria provided, single submitter. Criteria: LabCorp Variant Classification Summary - May 2015. Collection method: clinical testing. Allele origin: germline.

New York Genome Center
Classification: Uncertain significance for Type 1 diabetes mellitus 2; Maturity-onset diabetes of the young type 10; Hyperproinsulinemia. Last evaluated: 2022-01-03. Review status: criteria provided, single submitter. Criteria: NYGC Assertion Criteria 2020. Collection method: clinical testing. Allele origin: germline. Observed: 1 heterozygote.
Comment: The c.227G>A (p.Ser76Asn) variant identified in the INS gene substitutes a Serine for Asparagine at amino acid 76/111 (exon 3/3). This variant is found with low frequency in gnomAD(v3.1.2)(75 heterozygotes, 0 homozygotes, allele frequency:4.928e-4), suggesting it is not a benign variant in the populations represented in that database. In silico algorithms predict this variant to be Tolerated (SIFT; score:0.593) and Benign (REVEL; score:0.1739) to the function of the canonical transcript. This variant is reported as Likely Benign in ClinVar (VarID:1049511), and was identified in a single patient with Maturity Onset Diabetes in the Young (MODY) although with unclear clinical significance [PMID:31595705]. Given the lack of compelling evidence for its pathogenicity, the c.227G>A (p.Ser76Asn) variant identified in the INS gene is reported as a Variant of Uncertain Significance.

Department of Pathology and Laboratory Medicine, Sinai Health System
Classification: Likely benign. Review status: no assertion criteria provided. Collection method: clinical testing. Allele origin: unknown. Affected: yes. Study: The Canadian Open Genetics Repository (COGR). Not counted in ClinVar's aggregate classification.
Comment: The INS p.Ser76Asn variant was identified in 1 of 102 Brazilian individuals with maturity-onset diabetes of the young (MODY) (de Santana_2019_PMID:31595705). The variant was identified in dbSNP (ID: rs139264769) and LOVD 3.0 but was not identified in ClinVar. The variant was identified in control databases in 34 of 243736 chromosomes at a frequency of 0.0001395 (Genome Aggregation Database March 6, 2019, v2.1.1). The variant was observed in the following populations: African in 32 of 21820 chromosomes (freq: 0.001467) and Other in 2 of 6444 chromosomes (freq: 0.00031), but was not observed in the Latino, Ashkenazi Jewish, East Asian, European (Finnish), European (non-Finnish), and South Asian populations. The p.Ser76 residue is not conserved in mammals and computational analyses (PolyPhen-2, SIFT, AlignGVGD, BLOSUM, MutationTaster) do not suggest a high likelihood of impact to the protein; however, this information is not predictive enough to rule out pathogenicity. The variant occurs outside of the splicing consensus sequence and in silico or computational prediction software programs (SpliceSiteFinder, MaxEntScan, NNSPLICE, GeneSplicer) do not predict a difference in splicing. In summary, based on the above information the clinical significance of this variant cannot be determined with certainty at this time although we would lean towards a more benign role for this variant. This variant is classified as likely benign.